The following is an entry in ClinVar:

ClinVar aggregate classification (germline): Likely pathogenic (1 of 4 stars; one submission).

Conditions:
Hereditary spastic paraplegia 49 (HSAN9). Also called: Spastic paraplegia 49, autosomal recessive; TECPR2-Related Hereditary Sensory and Autonomic Neuropathy with Intellectual Disability; NEUROPATHY, HEREDITARY SENSORY AND AUTONOMIC, TYPE IX, WITH DEVELOPMENTAL DELAY. Identifiers: Orphanet 320385, MedGen C5190860, MONDO:0014016, OMIM 615031.

Submission:

Labcorp Genetics (formerly Invitae), Labcorp
Classification: Likely pathogenic for Hereditary spastic paraplegia 49. Last evaluated: 2025-05-05. Review status: criteria provided, single submitter. Criteria: Invitae Variant Classification Sherloc (09022015). Collection method: clinical testing. Allele origin: germline.
Comment: This sequence change affects an acceptor splice site in intron 2 of the TECPR2 gene. It is expected to disrupt RNA splicing. Variants that disrupt the donor or acceptor splice site typically lead to a loss of protein function (PMID: 16199547), and loss-of-function variants in TECPR2 are known to be pathogenic (PMID: 23176824, 25590979). This variant is not present in population databases (gnomAD no frequency). This variant has not been reported in the literature in individuals affected with TECPR2-related conditions. Algorithms developed to predict the effect of sequence changes on RNA splicing suggest that this variant may disrupt the consensus splice site. In summary, the currently available evidence indicates that the variant is pathogenic, but additional data are needed to prove that conclusively. Therefore, this variant has been classified as Likely Pathogenic.

Literature cited by the submitters: PubMed 16199547; PubMed 23176824; PubMed 25590979.

NM_014844.5(TECPR2):c.220-2A>T

Gene: TECPR2 (tectonin beta-propeller repeat containing 2; plus strand). Cytogenetic location: 14q32.31.
Variant type: single nucleotide variant.
Coding change: c.220-2A>T on transcript NM_014844.5 (MANE Select); the canonical splice acceptor site of the intron before coding-DNA position 220, A replaced by T.
Molecular consequence: splice acceptor variant.
Genome position (GRCh38, 1-based): chr14:102,407,336, A>T. VCF-style: chr14-102407336-A-T. GRCh37 (hg19) VCF-style: chr14-102873673-A-T.
Other names: c.220-2A>T (NM_001172631.3).
Identifiers: ClinVar variation 4717420 (VCV004717420.1).
Genomic context (GRCh38, chr14:102,407,336, plus strand): 5'-CTTGTTTTACATTTTCAAAGCCTGCATAGTTACAGATTCATTTGTTTTCAACGTTTCCCC[A>T]GGGGAAGACGGAATCTATCACTGTGGTGAAGCTGCTGAGCTGCTTTGATGACCTGGTGGC-3'